The following is an entry in ClinVar:

ClinVar aggregate classification (germline): Likely benign (0 of 4 stars; one submission).

Conditions:
NADSYN1-related disorder. Also called: NADSYN1-related condition.

Allele frequency attached by ClinVar (database versions not stated): gnomAD exomes 0.00014; ExAC 0.00048; gnomAD 0.00148; 1000 Genomes Project 0.00160; TOPMed 0.00168; 1000 Genomes Project 30x 0.00172; ESP Exome Variant Server 0.00177.
gnomAD v4.1: 442 of 1,614,112 alleles (0.027%); highest among the groups gnomAD compares: African/African-American, 0.49%; 3 homozygotes.

Submission:

PreventionGenetics, part of Exact Sciences
Classification: Likely benign for NADSYN1-related condition. Last evaluated: 2021-04-06. Review status: no assertion criteria provided. Collection method: clinical testing. Allele origin: germline.
Comment: This variant is classified as likely benign based on ACMG/AMP sequence variant interpretation guidelines (Richards et al. 2015 PMID: 25741868, with internal and published modifications).

NM_018161.5(NADSYN1):c.669C>T (p.Asn223=)

Gene: NADSYN1 (NAD synthetase 1; plus strand). Cytogenetic location: 11q13.4.
Variant type: single nucleotide variant.
Coding change: c.669C>T on transcript NM_018161.5 (MANE Select); coding-DNA position 669, C replaced by T.
Protein change: p.Asn223=; no amino-acid change (asparagine 223 retained).
Molecular consequence: synonymous variant.
Genome position (GRCh38, 1-based): chr11:71,474,397, C>T. VCF-style: chr11-71474397-C-T. GRCh37 (hg19) VCF-style: chr11-71185443-C-T.
Identifiers: ClinVar variation 3051815 (VCV003051815.2), dbSNP rs145980605, ClinGen allele CA6163147.